The following is an entry in ClinVar:

NM_024652.6(LRRK1):c.3724G>A (p.Glu1242Lys)

Genes: LRRK1 (leucine rich repeat kinase 1; plus strand), LRRK1-AS1 (LRRK1 antisense RNA 1; minus strand). Cytogenetic location: 15q26.3.
Variant type: single nucleotide variant.
Coding change: c.3724G>A on transcript NM_024652.6 (MANE Select); coding-DNA position 3724, G replaced by A.
Protein change: p.Glu1242Lys; replaces glutamic acid 1242 with lysine.
Molecular consequence: missense variant.
Genome position (GRCh38, 1-based): chr15:101,052,956, G>A. VCF-style: chr15-101052956-G-A. GRCh37 (hg19) VCF-style: chr15-101593161-G-A.
Other names: short protein forms E1242K.
Identifiers: ClinVar variation 2071792 (VCV002071792.2), dbSNP rs547256891, ClinGen allele CA7761628.

ClinVar aggregate classification (germline): Uncertain significance (1 of 4 stars; one submission).

Allele frequency attached by ClinVar (database versions not stated): ExAC 0.00003; gnomAD 0.00003; TOPMed 0.00006; 1000 Genomes Project 30x 0.00016; 1000 Genomes Project 0.00020.
gnomAD v4.1: 30 of 1,611,328 alleles (0.0019%); highest among the groups gnomAD compares: African/African-American, 0.0053%; no homozygotes.

Submission:

Labcorp Genetics (formerly Invitae), Labcorp
Classification: Uncertain significance. Last evaluated: 2023-08-30. Review status: criteria provided, single submitter. Criteria: Invitae Variant Classification Sherloc (09022015). Collection method: clinical testing. Allele origin: germline.
Comment: In summary, the available evidence is currently insufficient to determine the role of this variant in disease. Therefore, it has been classified as a Variant of Uncertain Significance. An algorithm developed to predict the effect of missense changes on protein structure and function (PolyPhen-2) suggests that this variant¬†is likely to be tolerated. ClinVar contains an entry for this variant (Variation ID: 2071792). This variant has not been reported in the literature in individuals affected with LRRK1-related conditions. This variant is present in population databases (rs547256891, gnomAD 0.01%). This sequence change replaces glutamic acid, which is acidic and polar, with lysine, which is basic and polar, at codon 1242 of the LRRK1 protein (p.Glu1242Lys).